The following is an entry in ClinVar:

NM_000336.3(SCNN1B):c.1463G>C (p.Ser488Thr)

Gene: SCNN1B (sodium channel epithelial 1 subunit beta; plus strand). Cytogenetic location: 16p12.2.
Variant type: single nucleotide variant.
Coding change: c.1463G>C on transcript NM_000336.3 (MANE Select); coding-DNA position 1463, G replaced by C.
Protein change: p.Ser488Thr; replaces serine 488 with threonine.
Molecular consequence: missense variant.
Genome position (GRCh38, 1-based): chr16:23,378,764, G>C. VCF-style: chr16-23378764-G-C. GRCh37 (hg19) VCF-style: chr16-23390085-G-C.
Other names: c.1355G>C, p.Ser452Thr (NM_001410900.1); short protein forms S452T, S488T.
Identifiers: ClinVar variation 1964089 (VCV001964089.5), dbSNP rs746559530, ClinGen allele CA7960520.

ClinVar aggregate classification (germline): Uncertain significance (1 of 4 stars; one submission).

Allele frequency attached by ClinVar (database versions not stated): ExAC 0.00001; gnomAD 0.00001.
gnomAD v4.1: 8 of 1,613,966 alleles (0.0005%); highest among the groups gnomAD compares: Non-Finnish European, 0.00068%; no homozygotes.

Submission:

Labcorp Genetics (formerly Invitae), Labcorp
Classification: Uncertain significance. Last evaluated: 2022-04-05. Review status: criteria provided, single submitter. Criteria: Invitae Variant Classification Sherloc (09022015). Collection method: clinical testing. Allele origin: germline.
Comment: In summary, the available evidence is currently insufficient to determine the role of this variant in disease. Therefore, it has been classified as a Variant of Uncertain Significance. Algorithms developed to predict the effect of missense changes on protein structure and function (SIFT, PolyPhen-2, Align-GVGD) all suggest that this variant is likely to be tolerated. This sequence change replaces serine, which is neutral and polar, with threonine, which is neutral and polar, at codon 488 of the SCNN1B protein (p.Ser488Thr). This variant is present in population databases (rs746559530, gnomAD 0.002%). This variant has not been reported in the literature in individuals affected with SCNN1B-related conditions.